The following is an entry in ClinVar:

ClinVar aggregate classification (germline): Conflicting classifications of pathogenicity. Review status: criteria provided, conflicting classifications (1 of 4 stars). 2 submissions from 2 submitters: Uncertain significance (1); Likely benign (1). Last evaluated 2025-08-04.

Conditions:
Congenital contractural arachnodactyly (CCA). Also called: BEALS SYNDROME; Beals-Hecht syndrome; Arthrogryposis, distal, type 9. Identifiers: Orphanet 115, MedGen C0220668, MONDO:0007363, OMIM 121050.

Allele frequency attached by ClinVar (database versions not stated): ExAC 0.00002.
gnomAD v4.1: 4 of 1,614,018 alleles (0.00025%); highest among the groups gnomAD compares: Non-Finnish European, 0.00025%; no homozygotes.

Submissions (2):

Labcorp Genetics (formerly Invitae), Labcorp
Classification: Likely benign for Congenital contractural arachnodactyly. Last evaluated: 2025-08-04. Review status: criteria provided, single submitter. Criteria: Invitae Variant Classification Sherloc (09022015). Collection method: clinical testing. Allele origin: germline.

GeneDx
Classification: Uncertain significance. Last evaluated: 2023-11-20. Review status: criteria provided, single submitter. Criteria: GeneDx Variant Classification Process June 2021. Collection method: clinical testing. Allele origin: germline. Affected: yes.
Comment: Not observed at significant frequency in large population cohorts (gnomAD); In silico analysis supports that this missense variant has a deleterious effect on protein structure/function; Has not been previously published as pathogenic or benign to our knowledge

NM_001999.4(FBN2):c.3202C>T (p.Arg1068Trp)

Genes: FBN2 (fibrillin 2; minus strand), LOC126807501 (BRD4-independent group 4 enhancer GRCh37_chr5:127680731-127681930; plus strand). Cytogenetic location: 5q23.3.
Variant type: single nucleotide variant.
Coding change: c.3202C>T on transcript NM_001999.4 (MANE Select); coding-DNA position 3202, C replaced by T.
Protein change: p.Arg1068Trp; replaces arginine 1068 with tryptophan.
Molecular consequence: missense variant.
Genome position (GRCh38, 1-based): chr5:128,345,372, G>A on the plus strand (C>T on the coding strand, the complement: FBN2 is on the minus strand). VCF-style: chr5-128345372-G-A. GRCh37 (hg19) VCF-style: chr5-127681064-G-A.
Other names: c.3202C>T (NM_001999.3); short protein forms R1068W.
Identifiers: ClinVar variation 2890183 (VCV002890183.4), dbSNP rs761958762, ClinGen allele CA3395311.